The following is an entry in ClinVar:

NM_001353921.2(ARHGEF9):c.924G>C (p.Gln308His)

Gene: ARHGEF9 (Cdc42 guanine nucleotide exchange factor 9; minus strand). Cytogenetic location: Xq11.1.
Variant type: single nucleotide variant.
Coding change: c.924G>C on transcript NM_001353921.2 (MANE Select); coding-DNA position 924, G replaced by C.
Protein change: p.Gln308His; replaces glutamine 308 with histidine.
Molecular consequence: missense variant.
Genome position (GRCh38, 1-based): chrX:63,674,059, C>G on the plus strand (G>C on the coding strand, the complement: ARHGEF9 is on the minus strand). VCF-style: chrX-63674059-C-G. GRCh37 (hg19) VCF-style: chrX-62893939-C-G.
Other names: c.744G>C, p.Gln248His (NM_001173479.2); c.597G>C, p.Gln199His (NM_001173480.2, NM_001369042.1); c.840G>C, p.Gln280His (NM_001330495.2, NM_001353927.2, NM_001369033.1 and 8 more transcripts); c.903G>C (NM_015185.2); c.924G>C, p.Gln308His (NM_001353922.2); c.942G>C, p.Gln314His (NM_001353923.1); c.723G>C, p.Gln241His (NM_001353924.2, NM_001353926.2, NM_001369039.1 and 1 more transcripts); c.903G>C, p.Gln301His (NM_001353928.2, NM_001369030.1, NM_001369031.1 and 2 more transcripts); and 1 more; short protein forms Q280H, Q199H, Q301H, Q163H, Q241H, Q248H, Q308H, Q314H.
Identifiers: ClinVar variation 2069625 (VCV002069625.5), dbSNP rs1556358973, ClinGen allele CA413405947.

ClinVar aggregate classification (germline): Uncertain significance. Review status: criteria provided, multiple submitters, no conflicts (2 of 4 stars). 2 submissions from 2 submitters: Uncertain significance (2). Last evaluated 2023-05-26.

Conditions:
Developmental and epileptic encephalopathy, 8 (DEE8). Also called: HYPEREKPLEXIA AND EPILEPSY. Identifiers: Orphanet 163985, Orphanet 2076, MedGen C1845102, MONDO:0010375, OMIM 300607.

Submissions (2):

GeneDx
Classification: Uncertain significance. Last evaluated: 2023-05-26. Review status: criteria provided, single submitter. Criteria: GeneDx Variant Classification Process June 2021. Collection method: clinical testing. Allele origin: germline. Affected: yes.
Comment: Not observed at significant frequency in large population cohorts (gnomAD); In silico analysis supports that this missense variant has a deleterious effect on protein structure/function; Has not been previously published as pathogenic or benign to our knowledge

Labcorp Genetics (formerly Invitae), Labcorp
Classification: Uncertain significance for Developmental and epileptic encephalopathy, 8. Last evaluated: 2022-01-02. Review status: criteria provided, single submitter. Criteria: Invitae Variant Classification Sherloc (09022015). Collection method: clinical testing. Allele origin: germline.
Comment: In summary, the available evidence is currently insufficient to determine the role of this variant in disease. Therefore, it has been classified as a Variant of Uncertain Significance. Algorithms developed to predict the effect of missense changes on protein structure and function are either unavailable or do not agree on the potential impact of this missense change (SIFT: "Deleterious"; PolyPhen-2: "Probably Damaging"; Align-GVGD: "Class C0"). This variant has not been reported in the literature in individuals affected with ARHGEF9-related conditions. This variant is not present in population databases (gnomAD no frequency). This sequence change replaces glutamine, which is neutral and polar, with histidine, which is basic and polar, at codon 301 of the ARHGEF9 protein (p.Gln301His).